The following is an entry in ClinVar:

ClinVar aggregate classification (germline): Benign/Likely benign. Review status: criteria provided, multiple submitters, no conflicts (2 of 4 stars). 4 submissions from 4 submitters: Benign (1); Likely benign (3). Last evaluated 2024-12-24.

Conditions:
Autosomal dominant nonsyndromic hearing loss 4A. Also called: Deafness, autosomal dominant 4A. Identifiers: Orphanet 90635, MedGen C1833503, MONDO:0010915, OMIM 600652.

Allele frequency attached by ClinVar (database versions not stated): gnomAD 0.00006 and 0.00013; TOPMed 0.00009; 1000 Genomes Project 0.00120.
gnomAD v4.1: 108 of 1,612,764 alleles (0.0067%); highest among the groups gnomAD compares: East Asian, 0.085%; no homozygotes.

Submissions (4):

Labcorp Genetics (formerly Invitae), Labcorp
Classification: Benign. Last evaluated: 2024-12-24. Review status: criteria provided, single submitter. Criteria: Invitae Variant Classification Sherloc (09022015). Collection method: clinical testing. Allele origin: germline.

Blueprint Genetics
Classification: Likely benign. Last evaluated: 2024-02-12. Review status: criteria provided, single submitter. Criteria: ACMG Guidelines, 2015. Collection method: clinical testing. Allele origin: germline.

GeneDx
Classification: Likely benign. Last evaluated: 2019-06-28. Review status: criteria provided, single submitter. Criteria: GeneDx Variant Classification Process June 2021. Collection method: clinical testing. Allele origin: germline. Affected: yes.

Illumina Laboratory Services, Illumina
Classification: Likely benign for Autosomal dominant nonsyndromic hearing loss 4A. Last evaluated: 2018-01-12. Review status: criteria provided, single submitter. Criteria: ICSL Variant Classification Criteria 13 December 2019. Collection method: clinical testing. Allele origin: germline.
Comment: This variant was observed in the ICSL laboratory as part of a predisposition screen in an ostensibly healthy population. It had not been previously curated by ICSL or reported in the Human Gene Mutation Database (HGMD: prior to June 1st, 2018), and was therefore a candidate for classification through an automated scoring system. Utilizing variant allele frequency, disease prevalence and penetrance estimates, and inheritance mode, an automated score was calculated to assess if this variant is too frequent to cause the disease. Based on the score and internal cut-off values, a variant classified as likely benign is not then subjected to further curation. The score for this variant resulted in a classification of likely benign for this disease.

NM_001145809.2(MYH14):c.3172-12T>C

Gene: MYH14 (myosin heavy chain 14; plus strand). Cytogenetic location: 19q13.33.
Variant type: single nucleotide variant.
Coding change: c.3172-12T>C on transcript NM_001145809.2 (MANE Select); 12 bases into the intron before coding-DNA position 3172, T replaced by C.
Molecular consequence: intron variant.
Genome position (GRCh38, 1-based): chr19:50,271,837, T>C. VCF-style: chr19-50271837-T-C. GRCh37 (hg19) VCF-style: chr19-50775094-T-C.
Other names: c.3073-12T>C (NM_001077186.2); c.3049-12T>C (NM_024729.4).
Identifiers: ClinVar variation 329927 (VCV000329927.12), dbSNP rs374486787, ClinGen allele CA9593143.